The following is an entry in ClinVar:

ClinVar aggregate classification (germline): Likely benign (1 of 4 stars; one submission).

Submission:

CeGaT Center for Human Genetics Tuebingen
Classification: Likely benign. Last evaluated: 2025-03-01. Review status: criteria provided, single submitter. Criteria: CeGaT Center For Human Genetics Tuebingen Variant Classification Criteria Version 2. Collection method: clinical testing. Allele origin: germline. Affected: yes. Observed: 1 variant allele.
Comment: SETX: PM2:Supporting, BP4, BP7

NM_015046.7(SETX):c.7806T>C (p.Pro2602=)

Gene: SETX (senataxin; minus strand). Cytogenetic location: 9q34.13.
Variant type: single nucleotide variant.
Coding change: c.7806T>C on transcript NM_015046.7 (MANE Select); coding-DNA position 7806, T replaced by C.
Protein change: p.Pro2602=; no amino-acid change (proline 2602 retained).
Molecular consequence: synonymous variant.
Genome position (GRCh38, 1-based): chr9:132,264,467, A>G on the plus strand (T>C on the coding strand, the complement: SETX is on the minus strand). VCF-style: chr9-132264467-A-G. GRCh37 (hg19) VCF-style: chr9-135139854-A-G.
Other names: c.7806T>C, p.Pro2602= (NM_001351527.2); c.7893T>C, p.Pro2631= (NM_001351528.2).
Identifiers: ClinVar variation 3778298 (VCV003778298.7).